The following is an entry in ClinVar:

NM_014363.6(SACS):c.10298C>G (p.Thr3433Arg)

Gene: SACS (sacsin molecular chaperone; minus strand). Cytogenetic location: 13q12.12.
Variant type: single nucleotide variant.
Coding change: c.10298C>G on transcript NM_014363.6 (MANE Select); coding-DNA position 10298, C replaced by G.
Protein change: p.Thr3433Arg; replaces threonine 3433 with arginine.
Molecular consequence: missense variant.
Genome position (GRCh38, 1-based): chr13:23,333,578, G>C on the plus strand (C>G on the coding strand, the complement: SACS is on the minus strand). VCF-style: chr13-23333578-G-C. GRCh37 (hg19) VCF-style: chr13-23907717-G-C.
Other names: c.9857C>G, p.Thr3286Arg (NM_001278055.2); short protein forms T3433R, T3286R.
Identifiers: ClinVar variation 411695 (VCV000411695.11), dbSNP rs200991790, ClinGen allele CA16613791.

ClinVar aggregate classification (germline): Uncertain significance. Review status: criteria provided, multiple submitters, no conflicts (2 of 4 stars). 3 submissions from 3 submitters: Uncertain significance (2). 1 of the submissions does not count toward it. Last evaluated 2022-01-27.

Conditions:
Spastic paraplegia. Identifiers: MedGen C0037772, HP:0001258.
Charlevoix-Saguenay spastic ataxia (SACS). Also called: SPASTIC ATAXIA 6, AUTOSOMAL RECESSIVE; AUTOSOMAL RECESSIVE SPASTIC ATAXIA OF CHARLEVOIX-SAGUENAY; Spastic ataxia of Charlevoix-Saguenay. Identifiers: Orphanet 98, MedGen C1849140, MONDO:0010041, OMIM 270550.

gnomAD v4.1: 28 of 1,613,642 alleles (0.0017%); highest among the groups gnomAD compares: Non-Finnish European, 0.0024%; no homozygotes.

Submissions (3):

Daryl Scott Lab, Baylor College of Medicine
Classification: Uncertain significance for Charlevoix-Saguenay spastic ataxia. Last evaluated: 2022-01-27. Review status: criteria provided, single submitter. Criteria: ACMG Guidelines, 2015. Collection method: clinical testing. Allele origin: paternal. Observed: 1 variant allele.

Labcorp Genetics (formerly Invitae), Labcorp
Classification: Uncertain significance for Spastic paraplegia. Last evaluated: 2021-08-27. Review status: criteria provided, single submitter. Criteria: Invitae Variant Classification Sherloc (09022015). Collection method: clinical testing. Allele origin: germline.
Comment: This sequence change replaces threonine with arginine at codon 3433 of the SACS protein (p.Thr3433Arg). The threonine residue is moderately conserved and there is a moderate physicochemical difference between threonine and arginine. This variant is not present in population databases (ExAC no frequency). This variant has not been reported in the literature in individuals affected with SACS-related conditions. ClinVar contains an entry for this variant (Variation ID: 411695). Algorithms developed to predict the effect of missense changes on protein structure and function are either unavailable or do not agree on the potential impact of this missense change (SIFT: "Deleterious"; PolyPhen-2: "Possibly Damaging"; Align-GVGD: "Class C0"). Algorithms developed to predict the effect of sequence changes on RNA splicing suggest that this variant may create or strengthen a splice site. In summary, the available evidence is currently insufficient to determine the role of this variant in disease. Therefore, it has been classified as a Variant of Uncertain Significance.

Natera, Inc.
Classification: Uncertain significance for Charlevoix-Saguenay type spastic ataxia. Last evaluated: 2020-12-23. Review status: no assertion criteria provided. Collection method: clinical testing. Allele origin: germline. Not counted in ClinVar's aggregate classification.

Literature cited by the submitters: PubMed 35904974 (cited by Daryl Scott Lab, Baylor College of Medicine).